The following is an entry in ClinVar:

ClinVar aggregate classification (germline): Uncertain significance (1 of 4 stars; one submission).

Conditions:
Joubert syndrome 16 (JBTS16). Identifiers: Orphanet 2318, MedGen C3280906, MONDO:0013764, OMIM 614465.

Allele frequency attached by ClinVar (database versions not stated): ExAC 0.00002; gnomAD 0.00003; TOPMed 0.00003; gnomAD exomes 0.00004.
gnomAD v4.1: 61 of 1,613,424 alleles (0.0038%); highest among the groups gnomAD compares: Non-Finnish European, 0.0043%; no homozygotes.

Submission:

Labcorp Genetics (formerly Invitae), Labcorp
Classification: Uncertain significance for Joubert syndrome 16. Last evaluated: 2022-07-13. Review status: criteria provided, single submitter. Criteria: Invitae Variant Classification Sherloc (09022015). Collection method: clinical testing. Allele origin: germline.
Comment: In summary, the available evidence is currently insufficient to determine the role of this variant in disease. Therefore, it has been classified as a Variant of Uncertain Significance. Algorithms developed to predict the effect of missense changes on protein structure and function (SIFT, PolyPhen-2, Align-GVGD) all suggest that this variant is likely to be tolerated. This variant has not been reported in the literature in individuals affected with TMEM138-related conditions. This variant is present in population databases (rs753234953, gnomAD 0.004%). This sequence change replaces asparagine, which is neutral and polar, with aspartic acid, which is acidic and polar, at codon 108 of the TMEM138 protein (p.Asn108Asp).

NM_016464.5(TMEM138):c.322A>G (p.Asn108Asp)

Gene: TMEM138 (transmembrane protein 138; plus strand). Cytogenetic location: 11q12.2.
Variant type: single nucleotide variant.
Coding change: c.322A>G on transcript NM_016464.5 (MANE Select); coding-DNA position 322, A replaced by G.
Protein change: p.Asn108Asp; replaces asparagine 108 with aspartic acid.
Molecular consequence: missense variant. On other transcripts: non-coding transcript variant (1).
Genome position (GRCh38, 1-based): chr11:61,367,944, A>G. VCF-style: chr11-61367944-A-G. GRCh37 (hg19) VCF-style: chr11-61135416-A-G.
Other names: c.148A>G, p.Asn50Asp (NM_001330281.2); c.322A>G, p.Asn108Asp (NM_001410997.1, NM_001410998.1, NM_001410999.1); short protein forms N50D, N108D.
Identifiers: ClinVar variation 2083693 (VCV002083693.2), dbSNP rs753234953, ClinGen allele CA6034591.